The following is an entry in ClinVar:

ClinVar aggregate classification (germline): Pathogenic/Likely pathogenic. Review status: criteria provided, multiple submitters, no conflicts (2 of 4 stars). 9 submissions from 9 submitters: Pathogenic (5); Likely pathogenic (3). 1 of the submissions does not count toward it. Last evaluated 2026-09-08.

Conditions:
Cardiovascular phenotype. Identifiers: MedGen CN230736.
Fabry disease. Also called: GLA DEFICIENCY; HEREDITARY DYSTOPIC LIPIDOSIS; Angiokeratoma corporis diffusum; Fabry's disease; ALPHA-GALACTOSIDASE A DEFICIENCY; ANDERSON-FABRY DISEASE. Identifiers: Orphanet 324, MedGen C0002986, MONDO:0010526, OMIM 301500, HP:0001071. Disease mechanism: Fabry disease is due to inactivating mutations in the X-linked GLA gene resulting in deficiency of the enzyme Alpha Galactosidase-A., loss of function.

Submissions (9):

Genomenon, Inc
Classification: Pathogenic for Fabry disease. Last evaluated: 2026-09-08. Review status: criteria provided, single submitter. Criteria: Genomenon Sequence Variant Interpretation Standards - Updated. Collection method: curation. Allele origin: germline. Affected: yes.
Comment: GLA p.Ala143Pro (c.427G>C) is a missense variant that changes the amino acid at codon 143 from Alanine to Proline. This variant has been observed in at least one proband with clinical features consistent with Fabry disease (PMID:20022777;11531969;15091117;33633114;30571380;36165155;10649504;33437642;32150461;16721592;17371887;25386848). The variant was found to segregate with disease in at least one affected family (PMID:10649504;11531969). At least one functional study has demonstrated a substantial alteration in protein function relative to the wild-type (PMID:32023956;21598360;27657681). It is absent or not present at a significant frequency in gnomAD. In silico models predict that this variant is possibly or probably damaging. In conclusion, we classify GLA p.Ala143Pro (c.427G>C) as a pathogenic variant.

Ambry Genetics
Classification: Likely pathogenic for Cardiovascular phenotype. Last evaluated: 2025-10-02. Review status: criteria provided, single submitter. Criteria: Ambry Variant Classification Scheme 2023. Collection method: clinical testing. Allele origin: germline.
Comment: The p.A143P variant (also known as c.427G>C), located in coding exon 3 of the GLA gene, results from a G to C substitution at nucleotide position 427. The alanine at codon 143 is replaced by proline, an amino acid with highly similar properties. This variant was reported in multiple individuals with features consistent with Fabry disease (Eng CM et al. Hum Mol Genet, 1994 Oct;3:1795-9; Glass RB et al. J Comput Assist Tomogr, 2004;28:158-68; Auray-Blais C et al. Mol Genet Metab, 2008 Mar;93:331-40; Sirrs S et al. Mol Genet Metab, 2010 Apr;99:367-73; Hoss S et al. Circ Genom Precis Med, 2020 Apr;13:e002748; Dutra-Clarke M et al. Mol Genet Metab Rep, 2021 Mar;26:100700; Goicoechea M et al. Nefrologia (Engl Ed), 2021 Mar;[ePub ahead of print]; Ambry internal data). In multiple assays testing GLA function, this variant showed functionally abnormal results (Wu X et al. Hum Mutat, 2011 Aug;32:965-77; Lukas J et al. PLoS Genet, 2013 Aug;9:e1003632). This variant is considered to be rare based on population cohorts in the Genome Aggregation Database (gnomAD). This amino acid position is well conserved in available vertebrate species. In addition, this alteration is predicted to be deleterious by in silico analysis. Based on the majority of available evidence to date, this variant is likely to be pathogenic.

Labcorp Genetics (formerly Invitae), Labcorp
Classification: Pathogenic for Fabry disease. Last evaluated: 2023-09-15. Review status: criteria provided, single submitter. Criteria: Invitae Variant Classification Sherloc (09022015). Collection method: clinical testing. Allele origin: germline.
Comment: This sequence change replaces alanine, which is neutral and non-polar, with proline, which is neutral and non-polar, at codon 143 of the GLA protein (p.Ala143Pro). This variant is not present in population databases (gnomAD no frequency). This missense change has been observed in individual(s) with Fabry disease (PMID: 7531540, 17532296, 33437642). ClinVar contains an entry for this variant (Variation ID: 10769). Advanced modeling of protein sequence and biophysical properties (such as structural, functional, and spatial information, amino acid conservation, physicochemical variation, residue mobility, and thermodynamic stability) performed at Invitae indicates that this missense variant is expected to disrupt GLA protein function. For these reasons, this variant has been classified as Pathogenic.

Genome-Nilou Lab
Classification: Likely pathogenic for Fabry disease. Last evaluated: 2021-07-15. Review status: criteria provided, single submitter. Criteria: ACMG Guidelines, 2015. Collection method: clinical testing. Allele origin: germline. Affected: no.

Women's Health and Genetics/Laboratory Corporation of America, LabCorp
Classification: Pathogenic for Fabry disease. Last evaluated: 2021-01-12. Review status: criteria provided, single submitter. Criteria: LabCorp Variant Classification Summary - May 2015. Collection method: clinical testing. Allele origin: germline.
Comment: Variant summary: GLA c.427G>C (p.Ala143Pro) results in a non-conservative amino acid change in the encoded protein sequence. Five of five in-silico tools predict a damaging effect of the variant on protein function. The variant was absent in 183467 control chromosomes (gnomAD). c.427G>C has been reported in the literature in at least an individual affected with Classic Fabry Disease (example: Eng_1994). These data indicate that the variant is likely to be associated with disease. Enzymatic activity from patient derived samples as well as in vitro studies reveal that the variant resulted in reduced or no enzymatic activity (Altarescu_2001, Lukas_2013). One other ClinVar submitter (evaluation after 2014) cite the variant as pathogenic. Based on the evidence outlined above, the variant was classified as pathogenic.

GeneDx
Classification: Pathogenic. Last evaluated: 2016-04-23. Review status: criteria provided, single submitter. Criteria: GeneDx Variant Classification (06012015). Collection method: clinical testing. Allele origin: germline. Affected: yes.
Comment: The A143P pathogenic variant has been reported previously in a patient with the classic phenotype of Fabry disease (Eng et al., 1994).

Laboratory for Molecular Medicine, Mass General Brigham Personalized Medicine
Classification: Likely pathogenic for Fabry disease. Last evaluated: 2014-01-17. Review status: criteria provided, single submitter. Criteria: LMM Criteria. Collection method: clinical testing. Allele origin: germline. Inheritance: X-linked inheritance. Observed: 1 variant allele.
Comment: The Arg143Pro variant in GLA as been reported in 6 males with Fabry disease, 5 o f whom were of Nova Scotian ancestry (Eng 1994, Branton 2002, Glass 2004). For 2 of them, absence of alpha-galatosidase enzyme activity was reported (Branton 2002). This variant was not identified in large population studies. Computation al analyses (biochemical amino acid properties, conservation, AlignGVGD, PolyPhe n2, and SIFT) do not provide strong support for or against an impact to the prot ein. Finally, another variant at this position (Arg143Thr) has been reported in multiple individuals with Fabry disease, segregated with disease (Spada 2006, Te rryn 2008), and is considered disease-causing, further supporting that a change at this position is not tolerated. In summary, the presence in multiple affected individuals, absence from large populations, and presence of another variant at the same position all support that this variant is likely to be pathogenic, tho ugh additional studies are required to fully establish its clinical significance .

Eurofins Ntd Llc (ga)
Classification: Pathogenic. Last evaluated: 2013-11-13. Review status: criteria provided, single submitter. Criteria: EGL Classification Definitions 2015. Collection method: clinical testing. Allele origin: germline. Observed: 3 variant alleles, 3 heterozygotes.

OMIM
Classification: Pathogenic for FABRY DISEASE. Last evaluated: 2002-03-01. Review status: no assertion criteria provided. Collection method: literature only. Allele origin: germline. Not counted in ClinVar's aggregate classification.

Literature cited by the submitters: PubMed 20022777 (cited by Genomenon, Inc and Ambry Genetics); PubMed 11531969 (cited by Genomenon, Inc and Women's Health and Genetics/Laboratory Corporation of America, LabCorp); PubMed 15091117 (cited by 3 submitters); PubMed 33633114 (cited by Genomenon, Inc and Ambry Genetics); PubMed 30571380 (cited by Genomenon, Inc); PubMed 36165155 (cited by Genomenon, Inc); PubMed 10649504 (cited by Genomenon, Inc); PubMed 33437642 (cited by 3 submitters); PubMed 32150461 (cited by Genomenon, Inc and Ambry Genetics); PubMed 16721592 (cited by Genomenon, Inc); PubMed 17371887 (cited by Genomenon, Inc); PubMed 25386848 (cited by Genomenon, Inc); PubMed 32023956 (cited by Genomenon, Inc); PubMed 21598360 (cited by 3 submitters); PubMed 27657681 (cited by Genomenon, Inc); PubMed 18023222 (cited by Ambry Genetics); PubMed 23935525 (cited by Ambry Genetics and Women's Health and Genetics/Laboratory Corporation of America, LabCorp); PubMed 33714629 (cited by Ambry Genetics); PubMed 7531540 (cited by 5 submitters); PubMed 17532296 (cited by Labcorp Genetics (formerly Invitae), Labcorp and Laboratory for Molecular Medicine, Mass General Brigham Personalized Medicine); PubMed 11889412 (cited by 3 submitters); PubMed 17804462 (cited by Laboratory for Molecular Medicine, Mass General Brigham Personalized Medicine); PubMed 16773563 (cited by Laboratory for Molecular Medicine, Mass General Brigham Personalized Medicine); Kopp, J. B. Personal Communication. 2002. Bethesda, Md. (cited by OMIM).

NM_000169.3(GLA):c.427G>C (p.Ala143Pro)

Genes: GLA (galactosidase alpha; minus strand), RPL36A-HNRNPH2 (RPL36A-HNRNPH2 readthrough; plus strand). Cytogenetic location: Xq22.1.
Variant type: single nucleotide variant.
Coding change: c.427G>C on transcript NM_000169.3 (MANE Select); coding-DNA position 427, G replaced by C.
Protein change: p.Ala143Pro; replaces alanine 143 with proline.
Molecular consequence: missense variant. On other transcripts: non-coding transcript variant (3), intron variant (2).
Genome position (GRCh38, 1-based): chrX:101,401,752, C>G on the plus strand (G>C on the coding strand, the complement: GLA is on the minus strand). VCF-style: chrX-101401752-C-G. GRCh37 (hg19) VCF-style: chrX-100656740-C-G.
Other names: p.A143P:GCA>CCA; c.550G>C, p.Ala184Pro (NM_001406747.1, NM_001406749.1); c.427G>C, p.Ala143Pro (NM_001406748.1); c.300+6295C>G (NM_001199973.2); c.177+9930C>G (NM_001199974.2); short protein forms A143P, A184P.
Identifiers: ClinVar variation 10769 (VCV000010769.19), dbSNP rs104894845, ClinGen allele CA021721.
Genomic context (GRCh38, chrX:101,401,752, plus strand): 5'-CCCAGTCAGCAAAGGTCTGGGCATCAATGTCGTAGTATCCAAAACTCCCAGGGAAGCCTG[C>G]GCAGGTTTTATTTCCAACATCTGCATAAATCCCTAGCTTCAGTCCTTTGCTGTGAACCTG-3'
Protein context (NP_000160.1, residues 133-153): IYADVGNKTC[Ala143Pro]GFPGSFGYYD